The following is an entry in ClinVar:

NM_000051.4(ATM):c.7987G>T (p.Val2663Phe)

Genes: ATM (ATM serine/threonine kinase; plus strand), C11orf65 (chromosome 11 open reading frame 65; minus strand). Cytogenetic location: 11q22.3.
Variant type: single nucleotide variant.
Coding change: c.7987G>T on transcript NM_000051.4 (MANE Select); coding-DNA position 7987, G replaced by T.
Protein change: p.Val2663Phe; replaces valine 2663 with phenylalanine.
Molecular consequence: missense variant. On other transcripts: intron variant (2).
Genome position (GRCh38, 1-based): chr11:108,333,945, G>T. VCF-style: chr11-108333945-G-T. GRCh37 (hg19) VCF-style: chr11-108204672-G-T.
Other names: c.7987G>T, p.Val2663Phe (NM_001351834.2); c.641-24874C>A (NM_001330368.2); c.*38+1275C>A (NM_001351110.2); short protein forms V2663F.
Identifiers: ClinVar variation 2857143 (VCV002857143.3), dbSNP rs773157963, ClinGen allele CA382561772.
Genomic context (GRCh38, chr11:108,333,945, plus strand): 5'-GAAGGCATAAATATTCCAGCAGACCAGCCAATTACTAAACTTAAGAATTTAGAAGATGTT[G>T]TTGTCCCTACTATGGAAATTAAGGTAATTTGCAATTAACTCTTGATTTTTTTTAAACTAA-3'
Protein context (NP_000042.3, residues 2653-2673): ITKLKNLEDV[Val2663Phe]VPTMEIKVDH

ClinVar aggregate classification (germline): Uncertain significance (1 of 4 stars; one submission).

Conditions:
Ataxia-telangiectasia syndrome (AT). Also called: LOUIS-BAR SYNDROME; Cerebello-oculocutaneous telangiectasia; Immunodeficiency with ataxia telangiectasia; Ataxia telangiectasia (A-T); Ataxia-telangiectasia, complementation group D; AT, COMPLEMENTATION GROUP C. Identifiers: Orphanet 100, MedGen C0004135, MONDO:0008840, OMIM 208900.

Submission:

Labcorp Genetics (formerly Invitae), Labcorp
Classification: Uncertain significance for Ataxia-telangiectasia syndrome. Last evaluated: 2023-04-17. Review status: criteria provided, single submitter. Criteria: Invitae Variant Classification Sherloc (09022015). Collection method: clinical testing. Allele origin: germline.
Comment: This sequence change replaces valine, which is neutral and non-polar, with phenylalanine, which is neutral and non-polar, at codon 2663 of the ATM protein (p.Val2663Phe). This variant is not present in population databases (gnomAD no frequency). This variant has not been reported in the literature in individuals affected with ATM-related conditions. An algorithm developed to predict the effect of missense changes on protein structure and function (PolyPhen-2) suggests that this variant is likely to be tolerated. In summary, the available evidence is currently insufficient to determine the role of this variant in disease. Therefore, it has been classified as a Variant of Uncertain Significance.